The following is an entry in ClinVar:

NM_199420.4(POLQ):c.263G>C (p.Gly88Ala)

Gene: POLQ (DNA polymerase theta; minus strand). Cytogenetic location: 3q13.33.
Variant type: single nucleotide variant.
Coding change: c.263G>C on transcript NM_199420.4 (MANE Select); coding-DNA position 263, G replaced by C.
Protein change: p.Gly88Ala; replaces glycine 88 with alanine.
Molecular consequence: missense variant.
Genome position (GRCh38, 1-based): chr3:121,544,807, C>G on the plus strand (G>C on the coding strand, the complement: POLQ is on the minus strand). VCF-style: chr3-121544807-C-G. GRCh37 (hg19) VCF-style: chr3-121263654-C-G.
Other names: short protein forms G88A.
Identifiers: ClinVar variation 1794177 (VCV001794177.2), dbSNP rs2546827924, ClinGen allele CA354094550.

ClinVar aggregate classification (germline): Uncertain significance (1 of 4 stars; one submission).

Submission:

Ambry Genetics
Classification: Uncertain significance. Last evaluated: 2021-07-16. Review status: criteria provided, single submitter. Criteria: Ambry Variant Classification Scheme 2023. Collection method: clinical testing. Allele origin: germline.
Comment: The p.G88A variant (also known as c.263G>C), located in coding exon 2 of the POLQ gene, results from a G to C substitution at nucleotide position 263. The glycine at codon 88 is replaced by alanine, an amino acid with similar properties. This amino acid position is conserved. In addition, the in silico prediction for this alteration is inconclusive. Since supporting evidence is limited at this time, the clinical significance of this alteration remains unclear.